The following is an entry in ClinVar:

ClinVar aggregate classification (germline): Benign/Likely benign. Review status: criteria provided, multiple submitters, no conflicts (2 of 4 stars). 3 submissions from 3 submitters: Benign (1); Likely benign (2). Last evaluated 2025-03-07.

Conditions:
Familial adenomatous polyposis 1 (FAP1). Also called: POLYPOSIS, ADENOMATOUS INTESTINAL; FAMILIAL ADENOMATOUS POLYPOSIS 1, ATTENUATED. Identifiers: MedGen C2713442, MONDO:0021056, OMIM 175100. Disease mechanism: loss of function.
Hereditary cancer-predisposing syndrome. Also called: Hereditary neoplastic syndrome; Neoplastic Syndromes, Hereditary; Tumor predisposition; Hereditary Cancer Syndrome. Identifiers: Orphanet 140162, MedGen C0027672, MeSH D009386, MONDO:0015356.

Allele frequency attached by ClinVar (database versions not stated): TOPMed 0.00001.
gnomAD v4.1: 1 of 1,613,894 alleles (0.000062%); highest among the groups gnomAD compares: Non-Finnish European, 0.000085%; no homozygotes.

Submissions (3):

Labcorp Genetics (formerly Invitae), Labcorp
Classification: Likely benign for Familial adenomatous polyposis 1. Last evaluated: 2025-03-07. Review status: criteria provided, single submitter. Criteria: Invitae Variant Classification Sherloc (09022015). Collection method: clinical testing. Allele origin: germline.

Myriad Genetics, Inc.
Classification: Benign for Familial adenomatous polyposis 1. Last evaluated: 2024-04-04. Review status: criteria provided, single submitter. Criteria: Myriad Autosomal Dominant, Autosomal Recessive and X-Linked Classification Criteria (2023). Collection method: clinical testing. Allele origin: unknown.
Comment: This variant is considered benign. This variant is a silent/synonymous amino acid change and it is not expected to impact splicing.

Ambry Genetics
Classification: Likely benign for Hereditary cancer-predisposing syndrome. Last evaluated: 2023-05-04. Review status: criteria provided, single submitter. Criteria: Ambry Variant Classification Scheme 2023. Collection method: clinical testing. Allele origin: germline.

NM_000038.6(APC):c.6274C>T (p.Leu2092=)

Gene: APC (APC regulator of Wnt signaling pathway; plus strand). Cytogenetic location: 5q22.2.
Variant type: single nucleotide variant.
Coding change: c.6274C>T on transcript NM_000038.6 (MANE Select); coding-DNA position 6274, C replaced by T.
Protein change: p.Leu2092=; no amino-acid change (leucine 2092 retained).
Molecular consequence: synonymous variant.
Genome position (GRCh38, 1-based): chr5:112,841,868, C>T. VCF-style: chr5-112841868-C-T. GRCh37 (hg19) VCF-style: chr5-112177565-C-T.
Other names: c.6274C>T, p.Leu2092= (NM_001127510.3, NM_001354895.2); c.6220C>T, p.Leu2074= (NM_001127511.3); c.6328C>T, p.Leu2110= (NM_001354896.2); c.6304C>T, p.Leu2102= (NM_001354897.2); c.6199C>T, p.Leu2067= (NM_001354898.2); c.6190C>T, p.Leu2064= (NM_001354899.2); c.6151C>T, p.Leu2051= (NM_001354900.2); c.6097C>T, p.Leu2033= (NM_001354901.2); and 5 more.
Identifiers: ClinVar variation 470039 (VCV000470039.11), dbSNP rs930830740, ClinGen allele CA125167814.
Genomic context (GRCh38, chr5:112,841,868, plus strand): 5'-TTAGGTGAAGATCTGACACTTGATTTGAAAGATATACAGAGACCAGATTCAGAACATGGT[C>T]TATCCCCTGATTCAGAAAATTTTGATTGGAAAGCTATTCAGGAAGGTGCAAATTCCATAG-3'
Protein context (NP_000029.2, residues 2082-2102): DIQRPDSEHG[Leu2092=]SPDSENFDWK